The following is an entry in ClinVar:

ClinVar aggregate classification (germline): Likely benign (1 of 4 stars; one submission).

Conditions:
Ehlers-Danlos syndrome, type 4 (EDSVASC). Also called: Ehlers-Danlos syndrome vascular type; Ehlers Danlos syndrome, ecchymotic type; Ehlers Danlos syndrome, arterial type; Ehlers Danlos syndrome, Sack-Barabas type; Ehlers-Danlos Syndrome Type IV. Identifiers: Orphanet 286, MedGen C0268338, MONDO:0017314, OMIM 130050.

Submission:

All of Us Research Program, National Institutes of Health
Classification: Likely benign for Ehlers-Danlos syndrome, type 4. Last evaluated: 2024-03-24. Review status: criteria provided, single submitter. Criteria: ACMG Guidelines, 2015. Collection method: clinical testing. Allele origin: germline. Inheritance: Autosomal dominant inheritance. Observed: 1 variant allele, 1 heterozygote.
Comment: This study involves interpretation of variants in research participants for the purpose of population health screening. Participant phenotype was not available at the time of variant classification. Additional details can be found in publication PMID: 35346344, PMCID: PMC8962531

NM_000090.4(COL3A1):c.3258T>C (p.Gly1086=)

Gene: COL3A1 (collagen type III alpha 1 chain; plus strand). Cytogenetic location: 2q32.2.
Variant type: single nucleotide variant.
Coding change: c.3258T>C on transcript NM_000090.4 (MANE Select); coding-DNA position 3258, T replaced by C.
Protein change: p.Gly1086=; no amino-acid change (glycine 1086 retained).
Molecular consequence: synonymous variant.
Genome position (GRCh38, 1-based): chr2:189,007,502, T>C. VCF-style: chr2-189007502-T-C. GRCh37 (hg19) VCF-style: chr2-189872228-T-C.
Identifiers: ClinVar variation 3386482 (VCV003386482.1).
Genomic context (GRCh38, chr2:189,007,502, plus strand): 5'-TTTATTTTTCCAATATGTATGTGTGTATATGACTTCAATTCAAAATATGTTTCTAAAGGG[T>C]CCTCAAGGCCCACGTGGTGACAAAGGTGAAACAGGTGAACGTGGAGCTGCTGGCATCAAA-3'
Protein context (NP_000081.2, residues 1076-1096): PGPAGSRGAP[Gly1086=]PQGPRGDKGE